The following is an entry in ClinVar:

ClinVar aggregate classification (germline): Likely benign. Review status: criteria provided, multiple submitters, no conflicts (2 of 4 stars). 3 submissions from 3 submitters: Likely benign (3). Last evaluated 2025-10-21.

Conditions:
Hereditary cancer-predisposing syndrome. Also called: Neoplastic Syndromes, Hereditary; Hereditary Cancer Syndrome; Hereditary neoplastic syndrome; Tumor predisposition. Identifiers: Orphanet 140162, MedGen C0027672, MeSH D009386, MONDO:0015356.
Hereditary breast ovarian cancer syndrome. Also called: Hereditary breast and ovarian cancer syndrome (HBOC); Hereditary breast and ovarian cancer syndrome; Breast and ovarian cancer; Hereditary breast and/or ovarian cancer syndrome; Hereditary breast and ovarian cancer; BRCA1- and BRCA2-Associated Hereditary Breast and Ovarian Cancer. Identifiers: Orphanet 145, MedGen C0677776, MeSH D061325, MONDO:0003582. Disease mechanism: loss of function.

Allele frequency attached by ClinVar (database versions not stated): gnomAD exomes below 0.00001.
gnomAD v4.1: 1 of 1,614,044 alleles (0.000062%); highest among the groups gnomAD compares: Non-Finnish European, 0.000085%; no homozygotes.

Submissions (3):

Labcorp Genetics (formerly Invitae), Labcorp
Classification: Likely benign for Hereditary breast ovarian cancer syndrome. Last evaluated: 2025-10-21. Review status: criteria provided, single submitter. Criteria: Invitae Variant Classification Sherloc (09022015). Collection method: clinical testing. Allele origin: germline.

Ambry Genetics
Classification: Likely benign for Hereditary cancer-predisposing syndrome. Last evaluated: 2022-11-13. Review status: criteria provided, single submitter. Criteria: Ambry Variant Classification Scheme 2023. Collection method: clinical testing. Allele origin: germline.

GeneDx
Classification: Likely benign. Last evaluated: 2017-06-20. Review status: criteria provided, single submitter. Criteria: GeneDx Variant Classification (06012015). Collection method: clinical testing. Allele origin: germline. Affected: yes.
Comment: This variant is considered likely benign or benign based on one or more of the following criteria: it is a conservative change, it occurs at a poorly conserved position in the protein, it is predicted to be benign by multiple in silico algorithms, and/or has population frequency not consistent with disease.

NM_007294.4(BRCA1):c.1851C>G (p.Thr617=)

Gene: BRCA1 (BRCA1 DNA repair associated; minus strand). Cytogenetic location: 17q21.31.
Variant type: single nucleotide variant.
Coding change: c.1851C>G on transcript NM_007294.4 (MANE Select); coding-DNA position 1851, C replaced by G.
Protein change: p.Thr617=; no amino-acid change (threonine 617 retained).
Molecular consequence: synonymous variant. On other transcripts: intron variant (137).
Genome position (GRCh38, 1-based): chr17:43,093,680, G>C on the plus strand (C>G on the coding strand, the complement: BRCA1 is on the minus strand). VCF-style: chr17-43093680-G-C. GRCh37 (hg19) VCF-style: chr17-41245697-G-C.
Other names: c.577+1064C>G (NM_001408480.1, NM_001408481.1, NM_001408492.1 and 9 more transcripts); c.548-2648C>G (NM_001408494.1); c.661+1064C>G (NM_001408435.1, NM_001408446.1, NM_001408448.1 and 6 more transcripts); c.784+1064C>G (NM_001407985.1, NM_001408401.1, NM_001408396.1 and 13 more transcripts); c.778+1064C>G (NM_001408408.1); c.1728C>G, p.Thr576= (NM_001407682.1, NM_001407683.1, NM_001407648.1 and 19 more transcripts); c.1725C>G, p.Thr575= (NM_001407685.1, NM_001407686.1, NM_001407687.1 and 11 more transcripts); c.1851C>G, p.Thr617= (NM_001407684.1, NM_001407622.1, NM_001407623.1 and 30 more transcripts); and 40 more.
Identifiers: ClinVar variation 462569 (VCV000462569.11), dbSNP rs1555591097, ClinGen allele CA500232800.